The following is an entry in ClinVar:

ClinVar aggregate classification (germline): Uncertain significance (1 of 4 stars; one submission).

Allele frequency attached by ClinVar (database versions not stated): gnomAD exomes 0.00001 and 0.00002; ExAC 0.00002; gnomAD 0.00003 and 0.00004; TOPMed 0.00004; ESP Exome Variant Server 0.00008.
gnomAD v4.1: 9 of 1,611,910 alleles (0.00056%); highest among the groups gnomAD compares: African/African-American, 0.012%; no homozygotes.

Submission:

Labcorp Genetics (formerly Invitae), Labcorp
Classification: Uncertain significance. Last evaluated: 2022-07-12. Review status: criteria provided, single submitter. Criteria: Invitae Variant Classification Sherloc (09022015). Collection method: clinical testing. Allele origin: germline.
Comment: In summary, the available evidence is currently insufficient to determine the role of this variant in disease. Therefore, it has been classified as a Variant of Uncertain Significance. Algorithms developed to predict the effect of sequence changes on RNA splicing suggest that this variant may create or strengthen a splice site. Algorithms developed to predict the effect of missense changes on protein structure and function (SIFT, PolyPhen-2, Align-GVGD) all suggest that this variant is likely to be tolerated. ClinVar contains an entry for this variant (Variation ID: 1479454). This variant has not been reported in the literature in individuals affected with INPPL1-related conditions. This variant is present in population databases (rs141059764, gnomAD 0.02%). This sequence change replaces glycine, which is neutral and non-polar, with serine, which is neutral and polar, at codon 146 of the INPPL1 protein (p.Gly146Ser).

NM_001567.4(INPPL1):c.436G>A (p.Gly146Ser)

Gene: INPPL1 (inositol polyphosphate phosphatase like 1; plus strand). Cytogenetic location: 11q13.4.
Variant type: single nucleotide variant.
Coding change: c.436G>A on transcript NM_001567.4 (MANE Select); coding-DNA position 436, G replaced by A.
Protein change: p.Gly146Ser; replaces glycine 146 with serine.
Molecular consequence: missense variant.
Genome position (GRCh38, 1-based): chr11:72,228,765, G>A. VCF-style: chr11-72228765-G-A. GRCh37 (hg19) VCF-style: chr11-71939809-G-A.
Other names: short protein forms G146S.
Identifiers: ClinVar variation 1479454 (VCV001479454.4), dbSNP rs141059764, ClinGen allele CA6169668.